The following is an entry in ClinVar:

NM_001367561.1(DOCK7):c.5017A>T (p.Met1673Leu)

Gene: DOCK7 (dedicator of cytokinesis 7; minus strand). Cytogenetic location: 1p31.3.
Variant type: single nucleotide variant.
Coding change: c.5017A>T on transcript NM_001367561.1 (MANE Select); coding-DNA position 5017, A replaced by T.
Protein change: p.Met1673Leu; replaces methionine 1673 with leucine.
Molecular consequence: missense variant.
Genome position (GRCh38, 1-based): chr1:62,495,588, T>A on the plus strand (A>T on the coding strand, the complement: DOCK7 is on the minus strand). VCF-style: chr1-62495588-T-A. GRCh37 (hg19) VCF-style: chr1-62961259-T-A.
Other names: c.4990A>T, p.Met1664Leu (NM_001271999.2, NM_001330614.2); c.4897A>T, p.Met1633Leu (NM_001272000.2, NM_001272001.2); c.4924A>T, p.Met1642Leu (NM_033407.4); short protein forms M1642L, M1673L, M1633L, M1664L.
Identifiers: ClinVar variation 1395239 (VCV001395239.6), dbSNP rs2149301681, ClinGen allele CA340612745.

ClinVar aggregate classification (germline): Uncertain significance (1 of 4 stars; one submission).

Conditions:
Developmental and epileptic encephalopathy, 23 (DEE23). Also called: Epileptic encephalopathy, early infantile, 23. Identifiers: Orphanet 411986, MedGen C4014492, MONDO:0014371, OMIM 615859.

Submission:

Labcorp Genetics (formerly Invitae), Labcorp
Classification: Uncertain significance for Developmental and epileptic encephalopathy, 23. Last evaluated: 2022-05-27. Review status: criteria provided, single submitter. Criteria: Invitae Variant Classification Sherloc (09022015). Collection method: clinical testing. Allele origin: germline.
Comment: In summary, the available evidence is currently insufficient to determine the role of this variant in disease. Therefore, it has been classified as a Variant of Uncertain Significance. Algorithms developed to predict the effect of missense changes on protein structure and function are either unavailable or do not agree on the potential impact of this missense change (SIFT: "Deleterious"; PolyPhen-2: "Possibly Damaging"; Align-GVGD: "Class C0"). This variant has not been reported in the literature in individuals affected with DOCK7-related conditions. This variant is not present in population databases (gnomAD no frequency). This sequence change replaces methionine, which is neutral and non-polar, with leucine, which is neutral and non-polar, at codon 1664 of the DOCK7 protein (p.Met1664Leu).